The following is an entry in ClinVar:

ClinVar aggregate classification (germline): Uncertain significance (1 of 4 stars; one submission).

Conditions:
Capillary malformation-arteriovenous malformation syndrome. Also called: Capillary malformation-arteriovenous malformation. Identifiers: Orphanet 137667, MedGen C1842180, MONDO:0012016.

Submission:

Labcorp Genetics (formerly Invitae), Labcorp
Classification: Uncertain significance for Capillary malformation-arteriovenous malformation syndrome. Last evaluated: 2025-07-27. Review status: criteria provided, single submitter. Criteria: Invitae Variant Classification Sherloc (09022015). Collection method: clinical testing. Allele origin: germline.
Comment: This sequence change replaces isoleucine, which is neutral and non-polar, with threonine, which is neutral and polar, at codon 701 of the RASA1 protein (p.Ile701Thr). This variant is not present in population databases (gnomAD no frequency). This variant has not been reported in the literature in individuals affected with RASA1-related conditions. ClinVar contains an entry for this variant (Variation ID: 2801836). An algorithm developed to predict the effect of missense changes on protein structure and function (PolyPhen-2) suggests that this variant is likely to be tolerated. In summary, the available evidence is currently insufficient to determine the role of this variant in disease. Therefore, it has been classified as a Variant of Uncertain Significance.

NM_002890.3(RASA1):c.2102T>C (p.Ile701Thr)

Genes: CCNH (cyclin H; minus strand), RASA1 (RAS p21 protein activator 1; plus strand). Cytogenetic location: 5q14.3.
Variant type: single nucleotide variant.
Coding change: c.2102T>C on transcript NM_002890.3 (MANE Select); coding-DNA position 2102, T replaced by C.
Protein change: p.Ile701Thr; replaces isoleucine 701 with threonine.
Molecular consequence: missense variant. On other transcripts: intron variant (1).
Genome position (GRCh38, 1-based): chr5:87,376,483, T>C. VCF-style: chr5-87376483-T-C. GRCh37 (hg19) VCF-style: chr5-86672300-T-C.
Other names: c.1571T>C, p.Ile524Thr (NM_022650.3); c.933+18561A>G (NM_001364075.2); short protein forms I701T, I524T.
Identifiers: ClinVar variation 2801836 (VCV002801836.3), dbSNP rs2531347684, ClinGen allele CA360379006.